The following is an entry in ClinVar:

ClinVar aggregate classification (germline): Uncertain significance (1 of 4 stars; one submission).

Conditions:
Intellectual developmental disorder, autosomal dominant 52. Also called: Mental retardation, autosomal dominant 52; Intellectual disability, autosomal dominant 52. Identifiers: MedGen C4540478, MONDO:0030918, OMIM 617796.

Allele frequency attached by ClinVar (database versions not stated): gnomAD exomes below 0.00001; ExAC 0.00001.
gnomAD v4.1: 2 of 1,614,248 alleles (0.00012%); highest among the groups gnomAD compares: South Asian, 0.0011%; no homozygotes.

Submission:

Neuberg Centre For Genomic Medicine, NCGM
Classification: Uncertain significance for Intellectual developmental disorder, autosomal dominant 52. Review status: criteria provided, single submitter. Criteria: ACMG Guidelines, 2015. Collection method: clinical testing. Allele origin: germline. Inheritance: Autosomal dominant inheritance. Affected: yes.
Comment: The missense variant c.7721A>C (p.His2574Pro) in ASH1L gene has not been reported previously as a pathogenic variant nor as a benign variant, to our knowledge. The p.His2574Pro variant is novel (not in any individuals) in 1000 Genomes and allele frequency of 0.0007957% is reported in gnomAD . The amino acid His at position 2574 is changed to a Pro changing protein sequence and it might alter its composition and physico-chemical properties. The amino acid change p.His2574Pro in ASH1L is predicted as conserved by GERP++ and PhyloP across 100 vertebrates. For these reasons, this variant has been classified as Uncertain Significance.

NM_018489.3(ASH1L):c.7721A>C (p.His2574Pro)

Gene: ASH1L (ASH1 like histone lysine methyltransferase; minus strand). Cytogenetic location: 1q22.
Variant type: single nucleotide variant.
Coding change: c.7721A>C on transcript NM_018489.3 (MANE Select); coding-DNA position 7721, A replaced by C.
Protein change: p.His2574Pro; replaces histidine 2574 with proline.
Molecular consequence: missense variant.
Genome position (GRCh38, 1-based): chr1:155,347,738, T>G on the plus strand (A>C on the coding strand, the complement: ASH1L is on the minus strand). VCF-style: chr1-155347738-T-G. GRCh37 (hg19) VCF-style: chr1-155317529-T-G.
Other names: c.7736A>C, p.His2579Pro (NM_001366177.2); short protein forms H2574P, H2579P.
Identifiers: ClinVar variation 2584985 (VCV002584985.1), dbSNP rs765095671, ClinGen allele CA1146061.
Genomic context (GRCh38, chr1:155,347,738, plus strand): 5'-ATGAGACCTTCATCCTTGTAGAGGCCACAGATACAGCGAATAACATCGTCGTCCTTCTCA[T>G]GCCCATTCTCCTTTTCAGAGACTGAGGTCTCACTGCTGTCTGCCTCACTTGCTGTCTCTC-3'
Protein context (NP_060959.2, residues 2564-2584): ETSVSEKENG[His2574Pro]EKDDDVIRCI